The following is an entry in ClinVar:

ClinVar aggregate classification (germline): Uncertain significance (1 of 4 stars; one submission).

Conditions:
Inborn genetic diseases. Identifiers: MedGen C0950123, MeSH D030342.

gnomAD v4.1: 8 of 1,613,950 alleles (0.0005%); highest among the groups gnomAD compares: Non-Finnish European, 0.00068%; no homozygotes.

Submission:

Ambry Genetics
Classification: Uncertain significance for Inborn genetic diseases. Last evaluated: 2025-11-09. Review status: criteria provided, single submitter. Criteria: Ambry Variant Classification Scheme 2023. Collection method: clinical testing. Allele origin: germline.
Comment: The p.Q978R variant (also known as c.2933A>G), located in coding exon 30 of the FANCA gene, results from an A to G substitution at nucleotide position 2933. The glutamine at codon 978 is replaced by arginine, an amino acid with highly similar properties. This amino acid position is conserved. In addition, this alteration is predicted to be tolerated by in silico analysis. Based on the available evidence, the clinical significance of this variant remains unclear.

NM_000135.4(FANCA):c.2933A>G (p.Gln978Arg)

Gene: FANCA (FA complementation group A; minus strand). Cytogenetic location: 16q24.3.
Variant type: single nucleotide variant.
Coding change: c.2933A>G on transcript NM_000135.4 (MANE Select); coding-DNA position 2933, A replaced by G.
Protein change: p.Gln978Arg; replaces glutamine 978 with arginine.
Molecular consequence: missense variant.
Genome position (GRCh38, 1-based): chr16:89,758,625, T>C on the plus strand (A>G on the coding strand, the complement: FANCA is on the minus strand). VCF-style: chr16-89758625-T-C. GRCh37 (hg19) VCF-style: chr16-89825033-T-C.
Other names: c.2933A>G, p.Gln978Arg (NM_001286167.3); short protein forms Q978R.
Identifiers: ClinVar variation 4619257 (VCV004619257.1).